The following is an entry in ClinVar:

ClinVar aggregate classification (germline): Uncertain significance. Review status: criteria provided, multiple submitters, no conflicts (2 of 4 stars). 2 submissions from 2 submitters: Uncertain significance (2). Last evaluated 2026-04-22.

Conditions:
Monogenic short statue.

Allele frequency attached by ClinVar (database versions not stated): ExAC 0.00001; gnomAD exomes 0.00005; TOPMed 0.00001.
gnomAD v4.1: 75 of 1,613,926 alleles (0.0046%); highest among the groups gnomAD compares: Non-Finnish European, 0.0064%; no homozygotes.

Submissions (2):

NHS Central & South Genomic Laboratory Hub
Classification: Uncertain significance for Monogenic short statue. Last evaluated: 2026-04-22. Review status: criteria provided, single submitter. Criteria: ACMG Guidelines, 2015. Collection method: clinical testing. Allele origin: germline. Affected: yes.

Labcorp Genetics (formerly Invitae), Labcorp
Classification: Uncertain significance. Last evaluated: 2025-04-21. Review status: criteria provided, single submitter. Criteria: Invitae Variant Classification Sherloc (09022015). Collection method: clinical testing. Allele origin: germline.
Comment: This sequence change replaces glutamine, which is neutral and polar, with histidine, which is basic and polar, at codon 3043 of the SRCAP protein (p.Gln3043His). This variant is present in population databases (rs750723969, gnomAD 0.004%). This variant has not been reported in the literature in individuals affected with SRCAP-related conditions. ClinVar contains an entry for this variant (Variation ID: 1948519). Invitae Evidence Modeling of protein sequence and biophysical properties (such as structural, functional, and spatial information, amino acid conservation, physicochemical variation, residue mobility, and thermodynamic stability) indicates that this missense variant is not expected to disrupt SRCAP protein function with a negative predictive value of 80%. In summary, the available evidence is currently insufficient to determine the role of this variant in disease. Therefore, it has been classified as a Variant of Uncertain Significance.

NM_006662.3(SRCAP):c.9129A>T (p.Gln3043His)

Gene: SRCAP (Snf2 related CREBBP activator protein; plus strand). Cytogenetic location: 16p11.2.
Variant type: single nucleotide variant.
Coding change: c.9129A>T on transcript NM_006662.3 (MANE Select); coding-DNA position 9129, A replaced by T.
Protein change: p.Gln3043His; replaces glutamine 3043 with histidine.
Molecular consequence: missense variant.
Genome position (GRCh38, 1-based): chr16:30,739,169, A>T. VCF-style: chr16-30739169-A-T. GRCh37 (hg19) VCF-style: chr16-30750490-A-T.
Other names: short protein forms Q3043H.
Identifiers: ClinVar variation 1948519 (VCV001948519.6), dbSNP rs750723969, ClinGen allele CA8012838.